The following is an entry in ClinVar:

NM_152578.3(FMR1NB):c.135C>T (p.Tyr45=)

Gene: FMR1NB (FMR1 neighbor; plus strand). Cytogenetic location: Xq27.3.
Variant type: single nucleotide variant.
Coding change: c.135C>T on transcript NM_152578.3 (MANE Select); coding-DNA position 135, C replaced by T.
Protein change: p.Tyr45=; no amino-acid change (tyrosine 45 retained).
Molecular consequence: synonymous variant.
Genome position (GRCh38, 1-based): chrX:147,981,537, C>T. VCF-style: chrX-147981537-C-T. GRCh37 (hg19) VCF-style: chrX-147063057-C-T.
Identifiers: ClinVar variation 2661596 (VCV002661596.24), dbSNP rs782543016, ClinGen allele CA10536543.
Genomic context (GRCh38, chrX:147,981,537, plus strand): 5'-GCTGGCAACTTATGAGTTGGCGGCAACTGAGTCGAATCCCGAGAGCAGCCATCCTGGATA[C>T]GAGGCCGCCATGGCTGACAGGCCTCAGCCAGGATGGCGGGAATCTCTAAAGATGCGGGTC-3'
Protein context (NP_689791.1, residues 35-55): ESNPESSHPG[Tyr45=]EAAMADRPQP

ClinVar aggregate classification (germline): Likely benign (1 of 4 stars; one submission).

Allele frequency attached by ClinVar (database versions not stated): gnomAD 0.00001; gnomAD exomes 0.00001; ExAC 0.00002; TOPMed 0.00003.
gnomAD v4.1: 8 of 1,210,033 alleles (0.00066%); highest among the groups gnomAD compares: Middle Eastern, 0.023%; no homozygotes.

Submission:

CeGaT Center for Human Genetics Tuebingen
Classification: Likely benign. Last evaluated: 2022-07-01. Review status: criteria provided, single submitter. Criteria: CeGaT Center For Human Genetics Tuebingen Variant Classification Criteria Version 2. Collection method: clinical testing. Allele origin: germline. Affected: yes. Observed: 1 variant allele.
Comment: FMR1NB: BP4, BP7